The following is an entry in ClinVar:

NM_004655.4(AXIN2):c.1936T>G (p.Leu646Val)

Gene: AXIN2 (axin 2; minus strand). Cytogenetic location: 17q24.1.
Variant type: single nucleotide variant.
Coding change: c.1936T>G on transcript NM_004655.4 (MANE Select); coding-DNA position 1936, T replaced by G.
Protein change: p.Leu646Val; replaces leucine 646 with valine.
Molecular consequence: missense variant.
Genome position (GRCh38, 1-based): chr17:65,536,525, A>C on the plus strand (T>G on the coding strand, the complement: AXIN2 is on the minus strand). VCF-style: chr17-65536525-A-C. GRCh37 (hg19) VCF-style: chr17-63532643-A-C.
Other names: c.1741T>G, p.Leu581Val (NM_001363813.1); short protein forms L581V, L646V.
Identifiers: ClinVar variation 1391464 (VCV001391464.6), dbSNP rs1598097114, ClinGen allele CA400676300.
Genomic context (GRCh38, chr17:65,536,525, plus strand): 5'-TGCCCCCCCACAGATGGTGCCGGCTGGCTCGTTCGCCTGGAGACGAGCGGGCAGACTCCA[A>C]GGGGTAGGCCTTTTTTGTGCTTTGGGCACTAAACAAGGAATGAGCAGAGAGAAAACAGAA-3'
Protein context (NP_004646.3, residues 636-656): SAQSTKKAYP[Leu646Val]ESARSSPGER

ClinVar aggregate classification (germline): Uncertain significance (1 of 4 stars; one submission).

Conditions:
Oligodontia-cancer predisposition syndrome. Also called: TOOTH AGENESIS-COLORECTAL CANCER SYNDROME. Identifiers: Orphanet 300576, MedGen C1837750, MONDO:0012075, OMIM 608615. Disease mechanism: loss of function.

Submission:

Labcorp Genetics (formerly Invitae), Labcorp
Classification: Uncertain significance for Oligodontia-cancer predisposition syndrome. Last evaluated: 2021-11-12. Review status: criteria provided, single submitter. Criteria: Invitae Variant Classification Sherloc (09022015). Collection method: clinical testing. Allele origin: germline.
Comment: In summary, the available evidence is currently insufficient to determine the role of this variant in disease. Therefore, it has been classified as a Variant of Uncertain Significance. Algorithms developed to predict the effect of missense changes on protein structure and function output the following: SIFT: "Tolerated"; PolyPhen-2: "Benign"; Align-GVGD: "Class C0". The valine amino acid residue is found in multiple mammalian species, which suggests that this missense change does not adversely affect protein function. This variant has not been reported in the literature in individuals affected with AXIN2-related conditions. This variant is not present in population databases (gnomAD no frequency). This sequence change replaces leucine, which is neutral and non-polar, with valine, which is neutral and non-polar, at codon 646 of the AXIN2 protein (p.Leu646Val).